The following is an entry in ClinVar:

NM_000238.4(KCNH2):c.811C>T (p.Arg271Cys)

Gene: KCNH2 (potassium voltage-gated channel subfamily H member 2; minus strand). Cytogenetic location: 7q36.1.
Variant type: single nucleotide variant.
Coding change: c.811C>T on transcript NM_000238.4 (MANE Select); coding-DNA position 811, C replaced by T.
Protein change: p.Arg271Cys; replaces arginine 271 with cysteine.
Molecular consequence: missense variant. On other transcripts: non-coding transcript variant (1).
Genome position (GRCh38, 1-based): chr7:150,958,164, G>A on the plus strand (C>T on the coding strand, the complement: KCNH2 is on the minus strand). VCF-style: chr7-150958164-G-A. GRCh37 (hg19) VCF-style: chr7-150655252-G-A.
Other names: c.523C>T, p.Arg175Cys (NM_001406753.1, NM_001406756.1); c.634C>T, p.Arg212Cys (NM_001406755.1); c.511C>T, p.Arg171Cys (NM_001406757.1); c.811C>T, p.Arg271Cys (NM_172056.3); short protein forms R171C, R212C, R175C, R271C.
Identifiers: ClinVar variation 3532314 (VCV003532314.1).

ClinVar aggregate classification (germline): Uncertain significance (1 of 4 stars; one submission).

Conditions:
Cardiovascular phenotype. Identifiers: MedGen CN230736.

gnomAD v4.1: 1 of 1,337,652 alleles (0.000075%); highest among the groups gnomAD compares: Non-Finnish European, 0.000096%; no homozygotes.

Submission:

Ambry Genetics
Classification: Uncertain significance for Cardiovascular phenotype. Last evaluated: 2024-09-27. Review status: criteria provided, single submitter. Criteria: Ambry Variant Classification Scheme 2023. Collection method: clinical testing. Allele origin: germline.
Comment: The p.R271C variant (also known as c.811C>T), located in coding exon 4 of the KCNH2 gene, results from a C to T substitution at nucleotide position 811. The arginine at codon 271 is replaced by cysteine, an amino acid with highly dissimilar properties. This amino acid position is well conserved in available vertebrate species. In addition, this alteration is predicted to be deleterious by in silico analysis. Based on the available evidence, the clinical significance of this variant remains unclear.